The following is an entry in ClinVar:

ClinVar aggregate classification (germline): Conflicting classifications of pathogenicity. Review status: criteria provided, conflicting classifications (1 of 4 stars). 3 submissions from 3 submitters: Uncertain significance (2); Likely benign (1). Last evaluated 2025-07-29.

Conditions:
Hereditary cancer-predisposing syndrome. Also called: Neoplastic Syndromes, Hereditary; Tumor predisposition; Hereditary Cancer Syndrome; Hereditary neoplastic syndrome. Identifiers: Orphanet 140162, MedGen C0027672, MeSH D009386, MONDO:0015356.
Hereditary breast ovarian cancer syndrome. Also called: Hereditary breast and ovarian cancer; Hereditary breast and/or ovarian cancer syndrome; BRCA1- and BRCA2-Associated Hereditary Breast and Ovarian Cancer; Hereditary breast and ovarian cancer syndrome (HBOC); Hereditary breast and ovarian cancer syndrome; Breast and ovarian cancer. Identifiers: Orphanet 145, MedGen C0677776, MeSH D061325, MONDO:0003582. Disease mechanism: loss of function.

Allele frequency attached by ClinVar (database versions not stated): gnomAD exomes below 0.00001.
gnomAD v4.1: 2 of 1,614,216 alleles (0.00012%); highest among the groups gnomAD compares: Non-Finnish European, 0.00017%; no homozygotes.

Submissions (3):

Labcorp Genetics (formerly Invitae), Labcorp
Classification: Uncertain significance for Hereditary breast ovarian cancer syndrome. Last evaluated: 2025-07-29. Review status: criteria provided, single submitter. Criteria: Invitae Variant Classification Sherloc (09022015). Collection method: clinical testing. Allele origin: germline.
Comment: This sequence change replaces asparagine, which is neutral and polar, with serine, which is neutral and polar, at codon 1592 of the BRCA1 protein (p.Asn1592Ser). This variant is not present in population databases (gnomAD no frequency). This missense change has been observed in individual(s) with ovarian cancer (PMID: 24504028). ClinVar contains an entry for this variant (Variation ID: 187395). Invitae Evidence Modeling of protein sequence and biophysical properties (such as structural, functional, and spatial information, amino acid conservation, physicochemical variation, residue mobility, and thermodynamic stability) indicates that this missense variant is not expected to disrupt BRCA1 protein function with a negative predictive value of 95%. In summary, the available evidence is currently insufficient to determine the role of this variant in disease. Therefore, it has been classified as a Variant of Uncertain Significance.

Color Diagnostics, LLC DBA Color Health
Classification: Uncertain significance for Hereditary cancer-predisposing syndrome. Last evaluated: 2024-12-23. Review status: criteria provided, single submitter. Criteria: ACMG Guidelines, 2015. Collection method: clinical testing. Allele origin: germline.
Comment: This missense variant replaces asparagine with serine at codon 1592 of the BRCA1 protein. Computational prediction suggests that this variant may not impact protein structure and function. To our knowledge, functional studies have not been reported for this variant. This variant has been reported in an individual affected with ovarian cancer (PMID: 24504028). This variant has not been identified in the general population by the Genome Aggregation Database (gnomAD). The available evidence is insufficient to determine the role of this variant in disease conclusively. Therefore, this variant is classified as a Variant of Uncertain Significance.

Ambry Genetics
Classification: Likely benign for Hereditary cancer-predisposing syndrome. Last evaluated: 2018-05-17. Review status: criteria provided, single submitter. Criteria: Ambry Variant Classification Scheme 2023. Collection method: clinical testing. Allele origin: germline.

Literature cited by the submitters: PubMed 24504028 (cited by 3 submitters); PubMed 23289006 (cited by Ambry Genetics).

NM_007294.4(BRCA1):c.4775A>G (p.Asn1592Ser)

Gene: BRCA1 (BRCA1 DNA repair associated; minus strand). Cytogenetic location: 17q21.31.
Variant type: single nucleotide variant.
Coding change: c.4775A>G on transcript NM_007294.4 (MANE Select); coding-DNA position 4775, A replaced by G.
Protein change: p.Asn1592Ser; replaces asparagine 1592 with serine.
Molecular consequence: missense variant. On other transcripts: non-coding transcript variant (1).
Genome position (GRCh38, 1-based): chr17:43,071,139, T>C on the plus strand (A>G on the coding strand, the complement: BRCA1 is on the minus strand). VCF-style: chr17-43071139-T-C. GRCh37 (hg19) VCF-style: chr17-41223156-T-C.
Other names: c.1346A>G, p.Asn449Ser (NM_001408423.1, NM_001408424.1, NM_001408421.1 and 1 more transcripts); c.1343A>G, p.Asn448Ser (NM_001408425.1, NM_001408426.1, NM_001408427.1 and 4 more transcripts); c.1340A>G, p.Asn447Ser (NM_001408432.1, NM_001408433.1, NM_001408434.1 and 10 more transcripts); c.1337A>G, p.Asn446Ser (NM_001408445.1, NM_001408446.1, NM_001408447.1 and 2 more transcripts); c.1331A>G, p.Asn444Ser (NM_001408451.1); c.1325A>G, p.Asn442Ser (NM_001408452.1, NM_001408453.1, NM_001408454.1 and 3 more transcripts); c.1322A>G, p.Asn441Ser (NM_001408458.1, NM_001408459.1, NM_001408460.1 and 7 more transcripts); c.1319A>G, p.Asn440Ser (NM_001408468.1, NM_001408469.1, NM_001408470.1); and 70 more; short protein forms N1592S, N488S, N1545S, N1613S, N1296S, N1463S, N1465S, N1480S.
Identifiers: ClinVar variation 187395 (VCV000187395.15), dbSNP rs786203699, ClinGen allele CA003017.